The following is an entry in ClinVar:

NM_033082.4(SARNP):c.184-2A>G

Gene: SARNP (SAP domain containing ribonucleoprotein; minus strand). Cytogenetic location: 12q13.2.
Variant type: single nucleotide variant.
Coding change: c.184-2A>G on transcript NM_033082.4 (MANE Select); the canonical splice acceptor site of the intron before coding-DNA position 184, A replaced by G.
Molecular consequence: splice acceptor variant.
Genome position (GRCh38, 1-based): chr12:55,800,631, T>C on the plus strand (A>G on the coding strand, the complement: SARNP is on the minus strand). VCF-style: chr12-55800631-T-C. GRCh37 (hg19) VCF-style: chr12-56194415-T-C.
Other names: NR_026723.2:n.207-2A>G.
Identifiers: ClinVar variation 4070914 (VCV004070914.1).

ClinVar aggregate classification (germline): Uncertain significance (1 of 4 stars; one submission).

Conditions:
Myopathy. Identifiers: MedGen C0026848, MeSH D009135, MONDO:0005336, HP:0003198.

Submission:

Broad Center for Mendelian Genomics, Broad Institute of MIT and Harvard
Classification: Uncertain significance for Myopathy. Last evaluated: 2025-06-27. Review status: criteria provided, single submitter. Criteria: ACMG Guidelines, 2015. Collection method: curation. Allele origin: germline. Inheritance: Autosomal dominant inheritance. Study: GREGoR Consortium.
Comment: While this gene is still lacking sufficient evidence to establish a gene-disease relationship, we believe this is a possible novel gene candidate for myopathy. Given the limited information about this gene-disease relationship, the significance of the c.184-2A>G variant is uncertain. If you have any additional information about functional evidence or other individuals with this phenotype that also have variants in SARNP we encourage you to reach out to us.